The following is an entry in ClinVar:

ClinVar aggregate classification (germline): Conflicting classifications of pathogenicity. Review status: criteria provided, conflicting classifications (1 of 4 stars). 4 submissions from 4 submitters: Uncertain significance (2); Likely benign (1). 1 of the submissions does not count toward it. Last evaluated 2026-01-17.

Conditions:
AK2-related disorder. Also called: AK2-related condition.
Reticular dysgenesis. Also called: ALEUKOCYTOSIS; CONGENITAL ALEUKIA; HEMATOPOIETIC HYPOPLASIA, GENERALIZED; RETICULAR DYSGENESIA; SEVERE COMBINED IMMUNODEFICIENCY WITH LEUKOPENIA; DeVaal disease. Identifiers: Orphanet 33355, MedGen C0272167, MONDO:0009973, OMIM 267500.

Allele frequency attached by ClinVar (database versions not stated): gnomAD 0.00001 and 0.00017; TOPMed 0.00003; gnomAD exomes 0.00034 and 0.00071; 1000 Genomes Project 0.00060; 1000 Genomes Project 30x 0.00062; ExAC 0.00078.

Submissions (4):

Labcorp Genetics (formerly Invitae), Labcorp
Classification: Likely benign for Reticular dysgenesis. Last evaluated: 2026-01-17. Review status: criteria provided, single submitter. Criteria: Invitae Variant Classification Sherloc (09022015). Collection method: clinical testing. Allele origin: germline.

Mayo Clinic Laboratories, Mayo Clinic
Classification: Uncertain significance. Last evaluated: 2023-07-25. Review status: criteria provided, single submitter. Criteria: ACMG Guidelines, 2015. Collection method: clinical testing. Allele origin: germline. Observed: 1 variant allele.
Comment: BS1, PP3

Baylor Genetics
Classification: Uncertain significance for Reticular dysgenesis. Last evaluated: 2018-07-25. Review status: criteria provided, single submitter. Criteria: ACMG Guidelines, 2015. Collection method: clinical testing. Allele origin: unknown. Affected: yes.
Comment: This variant was determined to be of uncertain significance according to ACMG Guidelines, 2015 [PMID:25741868].

PreventionGenetics, part of Exact Sciences
Classification: Likely benign for AK2-related condition. Last evaluated: 2019-11-16. Review status: no assertion criteria provided. Collection method: clinical testing. Allele origin: germline. Not counted in ClinVar's aggregate classification.
Comment: This variant is classified as likely benign based on ACMG/AMP sequence variant interpretation guidelines (Richards et al. 2015 PMID: 25741868, with internal and published modifications).

NM_001625.4(AK2):c.202A>G (p.Met68Val)

Gene: AK2 (adenylate kinase 2; minus strand). Cytogenetic location: 1p35.1.
Variant type: single nucleotide variant.
Coding change: c.202A>G on transcript NM_001625.4 (MANE Select); coding-DNA position 202, A replaced by G.
Protein change: p.Met68Val; replaces methionine 68 with valine.
Molecular consequence: missense variant. On other transcripts: non-coding transcript variant (1), intron variant (1).
Genome position (GRCh38, 1-based): chr1:33,024,459, T>C on the plus strand (A>G on the coding strand, the complement: AK2 is on the minus strand). VCF-style: chr1-33024459-T-C. GRCh37 (hg19) VCF-style: chr1-33490060-T-C.
Other names: p.Met68Val; c.202A>G, p.Met68Val (NM_001199199.3, NM_001319141.3, NM_001319143.2 and 1 more transcripts); c.58A>G, p.Met20Val (NM_001319139.3, NM_001319140.2); c.94-2756A>G (NM_001319142.3); short protein forms M68V, M20V.
Identifiers: ClinVar variation 724864 (VCV000724864.16), dbSNP rs548856916, ClinGen allele CA747232.